The following is an entry in ClinVar:

NM_002528.7(NTHL1):c.240G>A (p.Glu80=)

Gene: NTHL1 (nth like DNA glycosylase 1; minus strand). Cytogenetic location: 16p13.3.
Variant type: single nucleotide variant.
Coding change: c.240G>A on transcript NM_002528.7 (MANE Select); coding-DNA position 240, G replaced by A.
Protein change: p.Glu80=; no amino-acid change (glutamic acid 80 retained).
Molecular consequence: synonymous variant. On other transcripts: intron variant (1).
Genome position (GRCh38, 1-based): chr16:2,046,242, C>T on the plus strand (G>A on the coding strand, the complement: NTHL1 is on the minus strand). VCF-style: chr16-2046242-C-T. GRCh37 (hg19) VCF-style: chr16-2096243-C-T.
Other names: c.240G>A, p.Glu80= (NM_001318193.2); c.24+38G>A (NM_001318194.2).
Identifiers: ClinVar variation 1794312 (VCV001794312.10), dbSNP rs2548320295, ClinGen allele CA492953320.

ClinVar aggregate classification (germline): Likely benign. Review status: criteria provided, multiple submitters, no conflicts (2 of 4 stars). 2 submissions from 2 submitters: Likely benign (2). Last evaluated 2025-07-01.

Conditions:
Hereditary cancer-predisposing syndrome. Also called: Hereditary neoplastic syndrome; Neoplastic Syndromes, Hereditary; Tumor predisposition; Hereditary Cancer Syndrome. Identifiers: Orphanet 140162, MedGen C0027672, MeSH D009386, MONDO:0015356.

Allele frequency attached by ClinVar (database versions not stated): gnomAD exomes below 0.00001.
gnomAD v4.1: 1 of 1,613,224 alleles (0.000062%); highest among the groups gnomAD compares: Non-Finnish European, 0.000085%; no homozygotes.

Submissions (2):

CeGaT Center for Human Genetics Tuebingen
Classification: Likely benign. Last evaluated: 2025-07-01. Review status: criteria provided, single submitter. Criteria: CeGaT Center For Human Genetics Tuebingen Variant Classification Criteria Version 2. Collection method: clinical testing. Allele origin: germline. Affected: yes. Observed: 1 variant allele.
Comment: NTHL1: BP4, BP7

Ambry Genetics
Classification: Likely benign for Hereditary cancer-predisposing syndrome. Last evaluated: 2020-12-17. Review status: criteria provided, single submitter. Criteria: Ambry Variant Classification Scheme 2023. Collection method: clinical testing. Allele origin: germline.